The following is an entry in ClinVar:

NM_004360.5(CDH1):c.1294A>G (p.Asn432Asp)

Gene: CDH1 (cadherin 1; plus strand). Cytogenetic location: 16q22.1.
Variant type: single nucleotide variant.
Coding change: c.1294A>G on transcript NM_004360.5 (MANE Select); coding-DNA position 1294, A replaced by G.
Protein change: p.Asn432Asp; replaces asparagine 432 with aspartic acid.
Molecular consequence: missense variant. On other transcripts: 5 prime UTR variant (2), intron variant (1).
Genome position (GRCh38, 1-based): chr16:68,813,469, A>G. VCF-style: chr16-68813469-A-G. GRCh37 (hg19) VCF-style: chr16-68847372-A-G.
Other names: c.-322A>G (NM_001317185.2); c.-526A>G (NM_001317186.2); c.1137+1206A>G (NM_001317184.2); short protein forms N432D.
Identifiers: ClinVar variation 1353850 (VCV001353850.10), dbSNP rs2152133625, ClinGen allele CA396461829.

ClinVar aggregate classification (germline): Uncertain significance. Review status: criteria provided, multiple submitters, no conflicts (2 of 4 stars). 2 submissions from 2 submitters: Uncertain significance (2). Last evaluated 2025-10-22.

Conditions:
Hereditary cancer-predisposing syndrome. Also called: Hereditary Cancer Syndrome; Hereditary neoplastic syndrome; Tumor predisposition; Neoplastic Syndromes, Hereditary. Identifiers: Orphanet 140162, MedGen C0027672, MeSH D009386, MONDO:0015356.
Hereditary diffuse gastric adenocarcinoma (HDGC). Also called: DIFFUSE GASTRIC AND LOBULAR BREAST CANCER SYNDROME. Identifiers: Orphanet 26106, MedGen C1708349, MONDO:0007648, OMIM 137215.

Submissions (2):

Labcorp Genetics (formerly Invitae), Labcorp
Classification: Uncertain significance for Hereditary diffuse gastric adenocarcinoma. Last evaluated: 2025-10-22. Review status: criteria provided, single submitter. Criteria: Invitae Variant Classification Sherloc (09022015). Collection method: clinical testing. Allele origin: germline.
Comment: This sequence change replaces asparagine, which is neutral and polar, with aspartic acid, which is acidic and polar, at codon 432 of the CDH1 protein (p.Asn432Asp). This variant is not present in population databases (gnomAD no frequency). This variant has not been reported in the literature in individuals affected with CDH1-related conditions. ClinVar contains an entry for this variant (Variation ID: 1353850). An algorithm developed to predict the effect of missense changes on protein structure and function (PolyPhen-2) suggests that this variant is likely to be disruptive. In summary, the available evidence is currently insufficient to determine the role of this variant in disease. Therefore, it has been classified as a Variant of Uncertain Significance.

Ambry Genetics
Classification: Uncertain significance for Hereditary cancer-predisposing syndrome. Last evaluated: 2020-03-19. Review status: criteria provided, single submitter. Criteria: Ambry Variant Classification Scheme 2023. Collection method: clinical testing. Allele origin: germline.
Comment: The p.N432D variant (also known as c.1294A>G), located in coding exon 9 of the CDH1 gene, results from an A to G substitution at nucleotide position 1294. The asparagine at codon 432 is replaced by aspartic acid, an amino acid with highly similar properties. This amino acid position is well conserved in available vertebrate species. In addition, this alteration is predicted to be tolerated by in silico analysis. Since supporting evidence is limited at this time, the clinical significance of this alteration remains unclear.